The following is an entry in ClinVar:

NM_030962.4(SBF2):c.4187dup (p.Ser1397fs)

Genes: SBF2 (SET binding factor 2; minus strand), SBF2-AS1 (SBF2 antisense RNA 1; plus strand). Cytogenetic location: 11p15.4.
Variant type: Duplication.
Coding change: c.4187dup on transcript NM_030962.4 (MANE Select); coding-DNA position 4187, one base duplicated (T; older notation c.4187dupT).
Protein change: p.Ser1397fs; shifts the reading frame from serine 1397.
Molecular consequence: frameshift variant. On other transcripts: non-coding transcript variant (1).
Genome position (GRCh38, 1-based): chr11:9,808,971, A duplicated on the plus strand (T on the coding strand, the reverse complement: SBF2 is on the minus strand). VCF-style (leftmost placement, unchanged base first): chr11-9808970-T-TA. GRCh37 (hg19) VCF-style: chr11-9830517-T-TA.
Other names: c.4283dup, p.Ser1429fs (NM_001386339.1); c.4058dup, p.Ser1354fs (NM_001386342.1); c.4223dup, p.Ser1409fs (NM_001424318.1); c.4082dup, p.Ser1362Ilefs (NM_001425069.1); c.4223dup, p.Ser1409Ilefs (NM_001425070.1); short protein forms S1354fs, S1397fs, S1409fs, S1429fs.
Identifiers: ClinVar variation 2960159 (VCV002960159.3), dbSNP rs776306054, ClinGen allele CA5881025.

ClinVar aggregate classification (germline): Pathogenic (1 of 4 stars; one submission).

Conditions:
Charcot-Marie-Tooth disease type 4. Also called: Charcot-Marie-Tooth disease, type IV; Charcot-Marie-Tooth, Type 4. Identifiers: Orphanet 64749, MedGen C4082197, MONDO:0018995.

Allele frequency attached by ClinVar (database versions not stated): gnomAD exomes below 0.00001; ExAC 0.00001.

Submission:

Labcorp Genetics (formerly Invitae), Labcorp
Classification: Pathogenic for Charcot-Marie-Tooth disease type 4. Last evaluated: 2023-11-20. Review status: criteria provided, single submitter. Criteria: Invitae Variant Classification Sherloc (09022015). Collection method: clinical testing. Allele origin: germline.
Comment: This sequence change creates a premature translational stop signal (p.Ser1397Ilefs*5) in the SBF2 gene. It is expected to result in an absent or disrupted protein product. Loss-of-function variants in SBF2 are known to be pathogenic (PMID: 12687498, 25873783). This variant is present in population databases (rs776306054, gnomAD 0.0009%). This variant has not been reported in the literature in individuals affected with SBF2-related conditions. Algorithms developed to predict the effect of sequence changes on RNA splicing suggest that this variant may disrupt the consensus splice site. For these reasons, this variant has been classified as Pathogenic.

Literature cited by the submitters: PubMed 12687498; PubMed 25873783.